The following is an entry in ClinVar:

NM_002225.5(IVD):c.503A>G (p.Asn168Ser)

Gene: IVD (isovaleryl-CoA dehydrogenase; plus strand). Cytogenetic location: 15q15.1.
Variant type: single nucleotide variant.
Coding change: c.503A>G on transcript NM_002225.5 (MANE Select); coding-DNA position 503, A replaced by G.
Protein change: p.Asn168Ser; replaces asparagine 168 with serine.
Molecular consequence: missense variant. On other transcripts: non-coding transcript variant (1).
Genome position (GRCh38, 1-based): chr15:40,411,306, A>G. VCF-style: chr15-40411306-A-G. GRCh37 (hg19) VCF-style: chr15-40703505-A-G.
Other names: c.413A>G, p.Asn138Ser (NM_001159508.3); c.455A>G, p.Asn152Ser (NM_001354597.3); c.503A>G, p.Asn168Ser (NM_001354598.3, NM_001354601.3); c.590A>G, p.Asn197Ser (NM_001354599.3, NM_001354600.3); short protein forms N197S, N138S, N152S, N168S.
Identifiers: ClinVar variation 4986827 (VCV004986827.1).

ClinVar aggregate classification (germline): Uncertain significance (1 of 4 stars; one submission).

Conditions:
IVD-related disorder. Also called: IVD-related condition.

gnomAD v4.1: 36 of 1,614,054 alleles (0.0022%); highest among the groups gnomAD compares: Admixed American, 0.0067%; no homozygotes.

Submission:

PreventionGenetics, part of Exact Sciences
Classification: Uncertain significance for IVD-related condition. Last evaluated: 2026-02-09. Review status: criteria provided, single submitter. Criteria: ACMG Guidelines, 2015. Collection method: clinical testing. Allele origin: germline.
Comment: The IVD c.512A>G variant is predicted to result in the amino acid substitution p.Asn171Ser. To our knowledge, this variant has not been reported in the literature. This variant is reported in 0.012% of alleles in individuals of Latino descent in gnomAD. At this time, the clinical significance of this variant is uncertain due to the absence of conclusive functional and genetic evidence.